The following is an entry in ClinVar:

NM_001267550.2(TTN):c.31530G>T (p.Lys10510Asn)

Gene: TTN (titin; minus strand). Cytogenetic location: 2q31.2.
Variant type: single nucleotide variant.
Coding change: c.31530G>T on transcript NM_001267550.2 (MANE Select); coding-DNA position 31530, G replaced by T.
Protein change: p.Lys10510Asn; replaces lysine 10510 with asparagine.
Molecular consequence: missense variant. On other transcripts: intron variant (3).
Genome position (GRCh38, 1-based): chr2:178,693,673, C>A on the plus strand (G>T on the coding strand, the complement: TTN is on the minus strand). VCF-style: chr2-178693673-C-A. GRCh37 (hg19) VCF-style: chr2-179558400-C-A.
Other names: c.30579G>T, p.Lys10193Asn (NM_001256850.1); c.27798G>T, p.Lys9266Asn (NM_133378.4); c.13282+44409G>T (NM_003319.4); c.13858+44409G>T (NM_133437.4); c.13657+44409G>T (NM_133432.3); short protein forms K10193N, K10510N, K9266N.
Identifiers: ClinVar variation 1031085 (VCV001031085.1), dbSNP rs778911890, ClinGen allele CA1998919.
Genomic context (GRCh38, chr2:178,693,673, plus strand): 5'-AGGTGGTGGTTCAACCCTTTTGGAAATGGCAACGTGAATTTTCTCTTCAGTAACAATTTC[C>A]TTTTGTACCTCGGGGACTTAAAAAAATGTACATTTTAATTACTGATATGCCATGTTGTGG-3'
Protein context (NP_001254479.2, residues 10500-10520): EVSVTVPEVQ[Lys10510Asn]EIVTEEKIHV

ClinVar aggregate classification (germline): Uncertain significance (1 of 4 stars; one submission).

Conditions:
Myopathy, myofibrillar, 9, with early respiratory failure (MFM9). Also called: Myopathy, distal, with early respiratory failure, autosomal dominant; EDSTROM MYOPATHY; MYOPATHY, PROXIMAL, WITH EARLY RESPIRATORY MUSCLE INVOLVEMENT; Hereditary myopathy with early respiratory failure. Identifiers: Orphanet 178464, Orphanet 34521, MedGen C1863599, MONDO:0011362, OMIM 603689.

Allele frequency attached by ClinVar (database versions not stated): ExAC below 0.00001.
gnomAD v4.1: 1 of 1,598,380 alleles (0.000063%); highest among the groups gnomAD compares: Non-Finnish European, 0.000086%; no homozygotes.

Submission:

Baylor Genetics
Classification: Uncertain significance for Myopathy, myofibrillar, 9, with early respiratory failure. Last evaluated: 2020-06-03. Review status: criteria provided, single submitter. Criteria: ACMG Guidelines, 2015. Collection method: clinical testing. Allele origin: unknown. Affected: yes.
Comment: This variant was determined to be of uncertain significance according to ACMG Guidelines, 2015 [PMID:25741868].